The following is an entry in ClinVar:

NM_001171613.2(PREPL):c.416A>C (p.His139Pro)

Gene: PREPL (prolyl endopeptidase like; minus strand). Cytogenetic location: 2p21.
Variant type: single nucleotide variant.
Coding change: c.416A>C on transcript NM_001171613.2 (MANE Select); coding-DNA position 416, A replaced by C.
Protein change: p.His139Pro; replaces histidine 139 with proline.
Molecular consequence: missense variant.
Genome position (GRCh38, 1-based): chr2:44,342,486, T>G on the plus strand (A>C on the coding strand, the complement: PREPL is on the minus strand). VCF-style: chr2-44342486-T-G. GRCh37 (hg19) VCF-style: chr2-44569625-T-G.
Other names: c.683A>C, p.His228Pro (NM_001042385.2, NM_001042386.2, NM_001171603.1 and 4 more transcripts); c.416A>C, p.His139Pro (NM_001171617.1, NM_001374277.1); short protein forms H228P, H139P.
Identifiers: ClinVar variation 1991183 (VCV001991183.4), dbSNP rs746974507, ClinGen allele CA1641483.
Genomic context (GRCh38, chr2:44,342,486, plus strand): 5'-TTTTCTGTGTAAAAGCGTTCATTACGTTTGTTATCACCAAAAGTGGCTCGATATACGTCA[T>G]GACAGCGAAGGTTCCTCTGGAAGGTGTAGAATAAAACATCTTCATCTTCCTCGTCCTTTA-3'
Protein context (NP_001165084.1, residues 129-149): FYTFQRNLRC[His139Pro]DVYRATFGDN

ClinVar aggregate classification (germline): Uncertain significance (1 of 4 stars; one submission).

Conditions:
Myasthenic syndrome, congenital, 22 (CMS22). Also called: PREPL DEFICIENCY. Identifiers: MedGen C4479088, MONDO:0044299, OMIM 616224.

Allele frequency attached by ClinVar (database versions not stated): ExAC 0.00001; gnomAD 0.00001; TOPMed 0.00001.
gnomAD v4.1: 1 of 1,613,034 alleles (0.000062%); highest among the groups gnomAD compares: Admixed American, 0.0017%; no homozygotes.

Submission:

Labcorp Genetics (formerly Invitae), Labcorp
Classification: Uncertain significance for Myasthenic syndrome, congenital, 22. Last evaluated: 2022-08-15. Review status: criteria provided, single submitter. Criteria: Invitae Variant Classification Sherloc (09022015). Collection method: clinical testing. Allele origin: germline.
Comment: In summary, the available evidence is currently insufficient to determine the role of this variant in disease. Therefore, it has been classified as a Variant of Uncertain Significance. Algorithms developed to predict the effect of missense changes on protein structure and function (SIFT, PolyPhen-2, Align-GVGD) all suggest that this variant is likely to be tolerated. This variant has not been reported in the literature in individuals affected with PREPL-related conditions. This variant is present in population databases (rs746974507, gnomAD 0.003%). This sequence change replaces histidine, which is basic and polar, with proline, which is neutral and non-polar, at codon 228 of the PREPL protein (p.His228Pro).